The following is an entry in ClinVar:

ClinVar aggregate classification (germline): Uncertain significance. Review status: criteria provided, multiple submitters, no conflicts (2 of 4 stars). 6 submissions from 6 submitters: Uncertain significance (5). 1 of the submissions does not count toward it. Last evaluated 2025-10-10.

Conditions:
Hereditary insensitivity to pain with anhidrosis (CIPA). Also called: hereditary sensory and autonomic neuropathy type 4; INSENSITIVITY TO PAIN, CONGENITAL, WITH ANHIDROSIS; HSAN Type IV; NTRK1 Congenital Insensitivity to Pain with Anhidrosis; FAMILIAL DYSAUTONOMIA, TYPE II; NEUROPATHY, CONGENITAL SENSORY, WITH ANHIDROSIS. Identifiers: Orphanet 642, MedGen C0020074, MONDO:0009746, OMIM 256800.
Inborn genetic diseases. Identifiers: MedGen C0950123, MeSH D030342.
NTRK1-related disorder. Also called: NTRK1-related condition.

Allele frequency attached by ClinVar (database versions not stated): gnomAD exomes 0.00002; TOPMed 0.00002; ExAC 0.00004; gnomAD 0.00004.
gnomAD v4.1: 34 of 1,608,888 alleles (0.0021%); highest among the groups gnomAD compares: Non-Finnish European, 0.0028%; no homozygotes.

Submissions (6):

PreventionGenetics, part of Exact Sciences
Classification: Uncertain significance for NTRK1-related condition. Last evaluated: 2025-10-10. Review status: criteria provided, single submitter. Criteria: ACMG Guidelines, 2015. Collection method: clinical testing. Allele origin: germline.
Comment: The NTRK1 c.2371T>C variant is predicted to result in the amino acid substitution p.Tyr791His. To our knowledge, this variant has not been reported in the literature. This variant is reported in 0.0041% of alleles in individuals of European (Non-Finnish) descent in gnomAD. At this time, the clinical significance of this variant is uncertain due to the absence of conclusive functional and genetic evidence.

Genome-Nilou Lab
Classification: Uncertain significance for Hereditary insensitivity to pain with anhidrosis. Last evaluated: 2023-04-11. Review status: criteria provided, single submitter. Criteria: ACMG Guidelines, 2015. Collection method: clinical testing. Allele origin: germline. Affected: no.

Labcorp Genetics (formerly Invitae), Labcorp
Classification: Uncertain significance for Hereditary insensitivity to pain with anhidrosis. Last evaluated: 2022-08-21. Review status: criteria provided, single submitter. Criteria: Invitae Variant Classification Sherloc (09022015). Collection method: clinical testing. Allele origin: germline.
Comment: This sequence change replaces tyrosine, which is neutral and polar, with histidine, which is basic and polar, at codon 785 of the NTRK1 protein (p.Tyr785His). This variant is present in population databases (rs750111437, gnomAD 0.003%). This variant has not been reported in the literature in individuals affected with NTRK1-related conditions. ClinVar contains an entry for this variant (Variation ID: 876689). Advanced modeling of protein sequence and biophysical properties (such as structural, functional, and spatial information, amino acid conservation, physicochemical variation, residue mobility, and thermodynamic stability) performed at Invitae indicates that this missense variant is not expected to disrupt NTRK1 protein function. In summary, the available evidence is currently insufficient to determine the role of this variant in disease. Therefore, it has been classified as a Variant of Uncertain Significance.

Ambry Genetics
Classification: Uncertain significance for Inborn genetic diseases. Last evaluated: 2022-04-25. Review status: criteria provided, single submitter. Criteria: Ambry Variant Classification Scheme 2023. Collection method: clinical testing. Allele origin: germline.
Comment: The p.Y785H variant (also known as c.2353T>C), located in coding exon 16 of the NTRK1 gene, results from a T to C substitution at nucleotide position 2353. The tyrosine at codon 785 is replaced by histidine, an amino acid with similar properties. This amino acid position is highly conserved in available vertebrate species. In addition, this alteration is predicted to be deleterious by in silico analysis. Since supporting evidence is limited at this time, the clinical significance of this alteration remains unclear.

Illumina Laboratory Services, Illumina
Classification: Uncertain significance for Hereditary insensitivity to pain with anhidrosis. Last evaluated: 2017-04-27. Review status: criteria provided, single submitter. Criteria: ICSL Variant Classification Criteria 13 December 2019. Collection method: clinical testing. Allele origin: germline.

Natera, Inc.
Classification: Uncertain significance for Hereditary insensitivity to pain with anhidrosis. Last evaluated: 2020-07-05. Review status: no assertion criteria provided. Collection method: clinical testing. Allele origin: germline. Not counted in ClinVar's aggregate classification.

NM_002529.4(NTRK1):c.2371T>C (p.Tyr791His)

Gene: NTRK1 (neurotrophic receptor tyrosine kinase 1; plus strand). Cytogenetic location: 1q23.1.
Variant type: single nucleotide variant.
Coding change: c.2371T>C on transcript NM_002529.4 (MANE Select); coding-DNA position 2371, T replaced by C.
Protein change: p.Tyr791His; replaces tyrosine 791 with histidine.
Molecular consequence: missense variant.
Genome position (GRCh38, 1-based): chr1:156,881,622, T>C. VCF-style: chr1-156881622-T-C. GRCh37 (hg19) VCF-style: chr1-156851414-T-C.
Other names: c.2371T>C (NM_002529.3); c.2263T>C, p.Tyr755His (NM_001007792.1); c.2353T>C, p.Tyr785His (NM_001012331.2); short protein forms Y791H, Y755H, Y785H.
Identifiers: ClinVar variation 876689 (VCV000876689.15), dbSNP rs750111437, ClinGen allele CA1169646.